The following is an entry in ClinVar:

NM_153816.6(SNX14):c.2746-2A>G

Gene: SNX14 (sorting nexin 14; minus strand). Cytogenetic location: 6q14.3.
Variant type: single nucleotide variant.
Coding change: c.2746-2A>G on transcript NM_153816.6 (MANE Select); the canonical splice acceptor site of the intron before coding-DNA position 2746, A replaced by G.
Molecular consequence: splice acceptor variant. On other transcripts: intron variant (1).
Genome position (GRCh38, 1-based): chr6:85,507,291, T>C on the plus strand (A>G on the coding strand, the complement: SNX14 is on the minus strand). VCF-style: chr6-85507291-T-C. GRCh37 (hg19) VCF-style: chr6-86217009-T-C.
Other names: c.2455-2A>G (NM_001350543.2); c.2587-2A>G (NM_001350539.2, NM_020468.6); c.2458-2A>G (NM_001350542.2); c.2302-2A>G (NM_001350546.2, NM_001350545.2); c.1696-2A>G (NM_001350547.2); c.2446-2A>G (NM_001350544.2); c.1564-2A>G (NM_001350553.2); c.1591-2A>G (NM_001350549.2, NM_001350548.2, NM_001350551.2 and 2 more transcripts); and 11 more.
Identifiers: ClinVar variation 2573000 (VCV002573000.2), dbSNP rs1008167271, ClinGen allele CA142026302.

ClinVar aggregate classification (germline): Likely pathogenic. Review status: criteria provided, multiple submitters, no conflicts (2 of 4 stars). 2 submissions from 2 submitters: Likely pathogenic (2). Last evaluated 2024-07-05.

Conditions:
Autosomal recessive spinocerebellar ataxia 20. Identifiers: Orphanet 397709, MedGen C5190595, MONDO:0014601, OMIM 616354.

Allele frequency attached by ClinVar (database versions not stated): gnomAD exomes below 0.00001; TOPMed below 0.00001.
gnomAD v4.1: 1 of 1,605,032 alleles (0.000062%); highest among the groups gnomAD compares: Admixed American, 0.0017%; no homozygotes.

Submissions (2):

GeneDx
Classification: Likely pathogenic. Last evaluated: 2024-07-05. Review status: criteria provided, single submitter. Criteria: GeneDx Variant Classification Process June 2021. Collection method: clinical testing. Allele origin: germline. Affected: yes.
Comment: Canonical splice site variant predicted to result in an in-frame loss of the adjacent exon in a gene for which loss of function is a known mechanism of disease; Not observed at significant frequency in large population cohorts (gnomAD); This variant is associated with the following publications: (PMID: 31175295, Kim_2021)

Illumina Laboratory Services, Illumina
Classification: Likely pathogenic for Autosomal recessive spinocerebellar ataxia 20. Last evaluated: 2023-05-08. Review status: criteria provided, single submitter. Criteria: ICSLVariantClassificationCriteria RUGD 01 April 2020. Collection method: clinical testing. Allele origin: unknown.
Comment: The SNX14 c.2746-2A>G variant results in a substitution at the consensus splice acceptor site, which is predicated to result in splicing defects that lead to truncated protein. This variant has been reported in a homozygous state in two siblings with spinocerebellar ataxia 20 (doi:10.5734/jgm.2021.18.2.127). The c.2746-2A>G variant is not observed at a significant frequency in version 2.1.1 or version 3.1.2 of the Genome Aggregation Database. Based on the available evidence, the c.2746-2A>G variant is classified as likely pathogenic for spinocerebellar ataxia 20.